The following is an entry in ClinVar:

ClinVar aggregate classification (germline): Likely benign (1 of 4 stars; one submission).

Conditions:
INF2-related disorder. Also called: INF2-related condition.

gnomAD v4.1: 14 of 1,612,432 alleles (0.00087%); highest among the groups gnomAD compares: African/African-American, 0.004%; no homozygotes.

Submission:

PreventionGenetics, part of Exact Sciences
Classification: Likely benign for INF2-related condition. Last evaluated: 2026-08-17. Review status: criteria provided, single submitter. Criteria: ACMG Guidelines, 2015. Collection method: clinical testing. Allele origin: germline.
Comment: This variant is classified as likely benign based on ACMG/AMP sequence variant interpretation guidelines (Richards et al. 2015 PMID: 25741868, with internal and published modifications).

NM_022489.4(INF2):c.*34A>G

Gene: INF2 (inverted formin 2; plus strand). Cytogenetic location: 14q32.33.
Variant type: single nucleotide variant.
Coding change: c.*34A>G on transcript NM_022489.4 (MANE Select); 34 bases downstream of the stop codon, A replaced by G.
Molecular consequence: 3 prime UTR variant. On other transcripts: non-coding transcript variant (1).
Genome position (GRCh38, 1-based): chr14:104,718,827, A>G. VCF-style: chr14-104718827-A-G. GRCh37 (hg19) VCF-style: chr14-105185164-A-G.
Other names: c.*4A>G (NM_001031714.4, NM_001426862.1, NM_001426865.1); c.*34A>G (NM_001426863.1, NM_001426864.1).
Identifiers: ClinVar variation 4977522 (VCV004977522.1).